The following is an entry in ClinVar:

ClinVar aggregate classification (germline): Pathogenic (1 of 4 stars; one submission).

Conditions:
Hereditary nonpolyposis colorectal neoplasms. Identifiers: MedGen C0009405, MeSH D003123.

Submission:

Labcorp Genetics (formerly Invitae), Labcorp
Classification: Pathogenic for Hereditary nonpolyposis colorectal neoplasms. Last evaluated: 2024-01-07. Review status: criteria provided, single submitter. Criteria: Invitae Variant Classification Sherloc (09022015). Collection method: clinical testing. Allele origin: unknown.
Comment: This variant is a gross deletion of the genomic region encompassing exon(s) 5-6 of the MSH6 gene. This variant would be expected to be in-frame, preserving the integrity of the reading frame. A similar copy number variant has been observed in individual(s) with endometrial cancer (PMID: 16885385, 22306203). This variant disrupts the ATP-binding domain of the MSH6 protein. ATP hydrolysis is important for MSH6-mediated mismatch repair (PMID: 9428522, 9564049, 12019211). While functional studies have not been performed to directly test the effect of this variant on MSH6 protein function, this suggests that disruption of this region of the protein is causative of disease. This variant disrupts the p.Arg1076 amino acid residue in MSH6. Other variant(s) that disrupt this residue have been determined to be pathogenic (PMID: 15483016, 16418736, 16525781, 18409202, 21039432). This suggests that this residue is clinically significant, and that variants that disrupt this residue are likely to be disease-causing. For these reasons, this variant has been classified as Pathogenic.

Literature cited by the submitters: PubMed 16885385; PubMed 22306203; PubMed 9428522; PubMed 9564049; PubMed 12019211; PubMed 15483016; PubMed 16418736; PubMed 16525781; PubMed 18409202; PubMed 21039432.

NC_000002.11:g.(?_48030539)_(48032186_?)del

Gene: MSH6 (mutS homolog 6; plus strand). Cytogenetic location: 2p16.3.
Variant type: Deletion.
Identifiers: ClinVar variation 3247076 (VCV003247076.1).